The following is an entry in ClinVar:

ClinVar aggregate classification (germline): Likely pathogenic (1 of 4 stars; one submission).

Submission:

Labcorp Genetics (formerly Invitae), Labcorp
Classification: Likely pathogenic. Last evaluated: 2023-05-16. Review status: criteria provided, single submitter. Criteria: Invitae Variant Classification Sherloc (09022015). Collection method: clinical testing. Allele origin: germline.
Comment: In summary, the currently available evidence indicates that the variant is pathogenic, but additional data are needed to prove that conclusively. Therefore, this variant has been classified as Likely Pathogenic. This variant disrupts the triple helix domain of COL4A5. Glycine residues within the Gly-Xaa-Yaa repeats of the triple helix domain are required for the structure and stability of fibrillar collagens (PMID: 7695699, 8218237, 19344236). In COL4A5, missense variants at these glycine residues are significantly enriched in individuals with disease (PMID: 23720012, 27627812) compared to the general population (ExAC). Algorithms developed to predict the effect of sequence changes on RNA splicing suggest that this variant may create or strengthen a splice site. Advanced modeling of protein sequence and biophysical properties (such as structural, functional, and spatial information, amino acid conservation, physicochemical variation, residue mobility, and thermodynamic stability) performed at Invitae indicates that this missense variant is expected to disrupt COL4A5 protein function. This variant has not been reported in the literature in individuals affected with COL4A5-related conditions. This variant is not present in population databases (gnomAD no frequency). This sequence change replaces glycine, which is neutral and non-polar, with valine, which is neutral and non-polar, at codon 976 of the COL4A5 protein (p.Gly976Val).

Literature cited by the submitters: PubMed 7695699; PubMed 8218237; PubMed 19344236; PubMed 23720012; PubMed 27627812.

NM_033380.3(COL4A5):c.2927G>T (p.Gly976Val)

Gene: COL4A5 (collagen type IV alpha 5 chain; plus strand). Cytogenetic location: Xq22.3.
Variant type: single nucleotide variant.
Coding change: c.2927G>T on transcript NM_033380.3 (MANE Select); coding-DNA position 2927, G replaced by T.
Protein change: p.Gly976Val; replaces glycine 976 with valine.
Molecular consequence: missense variant.
Genome position (GRCh38, 1-based): chrX:108,624,245, G>T. VCF-style: chrX-108624245-G-T. GRCh37 (hg19) VCF-style: chrX-107867475-G-T.
Other names: c.2927G>T, p.Gly976Val (NM_000495.5); short protein forms G976V.
Identifiers: ClinVar variation 2864863 (VCV002864863.3), dbSNP rs1603298378, ClinGen allele CA413853200.